The following is an entry in ClinVar:

ClinVar aggregate classification (germline): Benign. Review status: criteria provided, single submitter (1 of 4 stars). 2 submissions from 2 submitters: Benign (1). 1 of the submissions does not count toward it. Last evaluated 2023-03-01.

Conditions:
DNAH6-related disorder. Also called: DNAH6-related condition.

Allele frequency attached by ClinVar (database versions not stated): 1000 Genomes Project 30x 0.00312; 1000 Genomes Project 0.00319; ESP Exome Variant Server 0.00832; TOPMed 0.00842; gnomAD 0.00946; ExAC 0.01014.
gnomAD v4.1: 20,219 of 1,551,574 alleles (1.3%); highest among the groups gnomAD compares: Non-Finnish European, 1.5%; 174 homozygotes.

Submissions (2):

CeGaT Center for Human Genetics Tuebingen
Classification: Benign. Last evaluated: 2023-03-01. Review status: criteria provided, single submitter. Criteria: CeGaT Center For Human Genetics Tuebingen Variant Classification Criteria Version 2. Collection method: clinical testing. Allele origin: germline. Affected: yes. Observed: 2 variant alleles.
Comment: DNAH6: PP2, BS1, BS2

PreventionGenetics, part of Exact Sciences
Classification: Likely benign for DNAH6-related condition. Last evaluated: 2019-10-30. Review status: no assertion criteria provided. Collection method: clinical testing. Allele origin: germline. Not counted in ClinVar's aggregate classification.
Comment: This variant is classified as likely benign based on ACMG/AMP sequence variant interpretation guidelines (Richards et al. 2015 PMID: 25741868, with internal and published modifications).

NM_001370.2(DNAH6):c.6502A>T (p.Met2168Leu)

Gene: DNAH6 (dynein axonemal heavy chain 6; plus strand). Cytogenetic location: 2p11.2.
Variant type: single nucleotide variant.
Coding change: c.6502A>T on transcript NM_001370.2 (MANE Select); coding-DNA position 6502, A replaced by T.
Protein change: p.Met2168Leu; replaces methionine 2168 with leucine.
Molecular consequence: missense variant.
Genome position (GRCh38, 1-based): chr2:84,672,374, A>T. VCF-style: chr2-84672374-A-T. GRCh37 (hg19) VCF-style: chr2-84899498-A-T.
Other names: short protein forms M2168L.
Identifiers: ClinVar variation 2651088 (VCV002651088.25), dbSNP rs147786546, ClinGen allele CA1737317.